The following is an entry in ClinVar:

NM_139276.3(STAT3):c.1361T>C (p.Leu454Pro)

Gene: STAT3 (signal transducer and activator of transcription 3; minus strand). Cytogenetic location: 17q21.2.
Variant type: single nucleotide variant.
Coding change: c.1361T>C on transcript NM_139276.3 (MANE Select); coding-DNA position 1361, T replaced by C.
Protein change: p.Leu454Pro; replaces leucine 454 with proline.
Molecular consequence: missense variant. On other transcripts: intron variant (1).
Genome position (GRCh38, 1-based): chr17:42,326,120, A>G on the plus strand (T>C on the coding strand, the complement: STAT3 is on the minus strand). VCF-style: chr17-42326120-A-G. GRCh37 (hg19) VCF-style: chr17-40478138-A-G.
Other names: c.1361T>C, p.Leu454Pro (NM_001369512.1, NM_001369513.1, NM_001369514.1 and 11 more transcripts); c.1283T>C, p.Leu428Pro (NM_001384985.1); c.1376T>C, p.Leu459Pro (NM_001384986.1, NM_001384990.1); c.1265T>C, p.Leu422Pro (NM_001384989.1); c.1301T>C, p.Leu434Pro (NM_001384992.1); c.1282-1059T>C (NM_001384984.1); short protein forms L422P, L428P, L434P, L454P, L459P.
Identifiers: ClinVar variation 1328318 (VCV001328318.10), dbSNP rs748564923, ClinGen allele CA8575349.
Genomic context (GRCh38, chr17:42,326,120, plus strand): 5'-TTTGTCCTGAGTCACCCCTGTACGTAGCCTCTCACCGATTCTGCTGCAGAACTTACCTCT[A>G]GGTCAATCTTGAGGCCTTGGTGATACACCTCGGTCTCAAAGGTGATCAGGTGCAGCTCCT-3'
Protein context (NP_644805.1, residues 444-464): EVYHQGLKID[Leu454Pro]ETHSLPVVVI

ClinVar aggregate classification (germline): Conflicting classifications of pathogenicity. Review status: criteria provided, conflicting classifications (1 of 4 stars). 5 submissions from 5 submitters: Uncertain significance (1); Likely benign (2). 2 of the submissions do not count toward it. Last evaluated 2026-02-01.

Conditions:
STAT3 gain of function. Identifiers: MedGen C4288261.
Hyper-IgE recurrent infection syndrome 1, autosomal dominant. Also called: JOB SYNDROME; Job's Syndrome; STAT3 Hyper IgE Syndrome; Hyper-IgE recurrent infection syndrome 1; HYPER-IgE SYNDROME 1, AUTOSOMAL DOMINANT, WITH RECURRENT INFECTIONS. Identifiers: Orphanet 2314, MedGen C2936739, MONDO:0007818, OMIM 147060.

Allele frequency attached by ClinVar (database versions not stated): ExAC 0.00003; gnomAD 0.00003; TOPMed 0.00003; gnomAD exomes 0.00005 and 0.00006.
gnomAD v4.1: 93 of 1,613,860 alleles (0.0058%); highest among the groups gnomAD compares: South Asian, 0.014%; no homozygotes.

Submissions (5):

CeGaT Center for Human Genetics Tuebingen
Classification: Likely benign. Last evaluated: 2026-02-01. Review status: criteria provided, single submitter. Criteria: CeGaT Center For Human Genetics Tuebingen Variant Classification Criteria Version 2. Collection method: clinical testing. Allele origin: germline. Affected: yes. Observed: 1 variant allele.
Comment: STAT3: PP3, BS2

Labcorp Genetics (formerly Invitae), Labcorp
Classification: Uncertain significance for STAT3 gain of function; Hyper-IgE recurrent infection syndrome 1, autosomal dominant. Last evaluated: 2025-12-15. Review status: criteria provided, single submitter. Criteria: Invitae Variant Classification Sherloc (09022015). Collection method: clinical testing. Allele origin: germline.
Comment: This sequence change replaces leucine, which is neutral and non-polar, with proline, which is neutral and non-polar, at codon 454 of the STAT3 protein (p.Leu454Pro). This variant is present in population databases (rs748564923, gnomAD 0.008%). This variant has not been reported in the literature in individuals affected with STAT3-related conditions. ClinVar contains an entry for this variant (Variation ID: 1328318). Invitae Evidence Modeling of protein sequence and biophysical properties (such as structural, functional, and spatial information, amino acid conservation, physicochemical variation, residue mobility, and thermodynamic stability) indicates that this missense variant is expected to disrupt STAT3 protein function with a positive predictive value of 80%. In summary, the available evidence is currently insufficient to determine the role of this variant in disease. Therefore, it has been classified as a Variant of Uncertain Significance.

Blueprint Genetics
Classification: Likely benign. Last evaluated: 2024-09-23. Review status: criteria provided, single submitter. Criteria: ACMG Guidelines, 2015. Collection method: clinical testing. Allele origin: germline.

Clinical Genetics DNA and cytogenetics Diagnostics Lab, Erasmus MC, Erasmus Medical Center
Classification: Uncertain significance. Review status: no assertion criteria provided. Collection method: clinical testing. Allele origin: germline. Affected: yes. Study: VKGL Data-share Consensus. Not counted in ClinVar's aggregate classification.

Laboratory of Diagnostic Genome Analysis, Leiden University Medical Center (LUMC)
Classification: Uncertain significance. Review status: no assertion criteria provided. Collection method: clinical testing. Allele origin: germline. Affected: yes. Study: VKGL Data-share Consensus. Not counted in ClinVar's aggregate classification.